The following is an entry in ClinVar:

NM_001206927.2(DNAH8):c.11969G>A (p.Gly3990Glu)

Genes: DNAH8 (dynein axonemal heavy chain 8; plus strand), DNAH8-AS1 (DNAH8 antisense RNA 1; minus strand). Cytogenetic location: 6p21.2.
Variant type: single nucleotide variant.
Coding change: c.11969G>A on transcript NM_001206927.2 (MANE Select); coding-DNA position 11969, G replaced by A.
Protein change: p.Gly3990Glu; replaces glycine 3990 with glutamic acid.
Molecular consequence: missense variant.
Genome position (GRCh38, 1-based): chr6:38,938,950, G>A. VCF-style: chr6-38938950-G-A. GRCh37 (hg19) VCF-style: chr6-38906726-G-A.
Other names: c.11318G>A, p.Gly3773Glu (NM_001371.4); short protein forms G3773E, G3990E.
Identifiers: ClinVar variation 1008242 (VCV001008242.9), dbSNP rs1265988328, ClinGen allele CA364021602.
Genomic context (GRCh38, chr6:38,938,950, plus strand): 5'-ACGAAAACCACAAATTCCTGTTTGTACTCCTCATGACCTTAAAGATTGACCTTCAGAGAG[G>A]GACAGTTAAGCACAGAGAGTTTCAAGCTCTCATTAAAGGTAAAGTGTGTGGGATACAGAT-3'
Protein context (NP_001193856.1, residues 3980-4000): LMTLKIDLQR[Gly3990Glu]TVKHREFQAL

ClinVar aggregate classification (germline): Uncertain significance (1 of 4 stars; one submission).

Conditions:
Primary ciliary dyskinesia. Also called: Ciliary dyskinesia. Identifiers: Orphanet 244, MedGen C0008780, MONDO:0016575, HP:0012265.

Allele frequency attached by ClinVar (database versions not stated): gnomAD exomes below 0.00001; gnomAD 0.00001; TOPMed 0.00001.
gnomAD v4.1: 4 of 1,613,652 alleles (0.00025%); highest among the groups gnomAD compares: East Asian, 0.0022%; no homozygotes.

Submission:

Labcorp Genetics (formerly Invitae), Labcorp
Classification: Uncertain significance for Primary ciliary dyskinesia. Last evaluated: 2025-01-23. Review status: criteria provided, single submitter. Criteria: Invitae Variant Classification Sherloc (09022015). Collection method: clinical testing. Allele origin: germline.
Comment: This sequence change replaces glycine, which is neutral and non-polar, with glutamic acid, which is acidic and polar, at codon 3990 of the DNAH8 protein (p.Gly3990Glu). This variant is not present in population databases (gnomAD no frequency). This variant has not been reported in the literature in individuals affected with DNAH8-related conditions. ClinVar contains an entry for this variant (Variation ID: 1008242). Invitae Evidence Modeling of protein sequence and biophysical properties (such as structural, functional, and spatial information, amino acid conservation, physicochemical variation, residue mobility, and thermodynamic stability) indicates that this missense variant is not expected to disrupt DNAH8 protein function with a negative predictive value of 80%. In summary, the available evidence is currently insufficient to determine the role of this variant in disease. Therefore, it has been classified as a Variant of Uncertain Significance.